The following is an entry in ClinVar:

ClinVar aggregate classification (germline): Uncertain significance. Review status: criteria provided, multiple submitters, no conflicts (2 of 4 stars). 3 submissions from 3 submitters: Uncertain significance (3). Last evaluated 2025-09-11.

Conditions:
Inborn genetic diseases. Identifiers: MedGen C0950123, MeSH D030342.

Allele frequency attached by ClinVar (database versions not stated): gnomAD 0.00001; gnomAD exomes 0.00001 and below 0.00001; TOPMed below 0.00001; ExAC 0.00001.
gnomAD v4.1: 11 of 1,613,896 alleles (0.00068%); highest among the groups gnomAD compares: South Asian, 0.0033%; no homozygotes.

Submissions (3):

Mayo Clinic Laboratories, Mayo Clinic
Classification: Uncertain significance. Last evaluated: 2025-09-11. Review status: criteria provided, single submitter. Criteria: ACMG Guidelines, 2015. Collection method: clinical testing. Allele origin: germline. Observed: 1 variant allele.
Comment: BP4, PM2_supporting

Ambry Genetics
Classification: Uncertain significance for Inborn genetic diseases. Last evaluated: 2024-12-20. Review status: criteria provided, single submitter. Criteria: Ambry Variant Classification Scheme 2023. Collection method: clinical testing. Allele origin: germline.
Comment: The p.T200A variant (also known as c.598A>G), located in coding exon 5 of the USB1 gene, results from an A to G substitution at nucleotide position 598. The threonine at codon 200 is replaced by alanine, an amino acid with similar properties. This amino acid position is conserved. In addition, this alteration is predicted to be tolerated by in silico analysis. Based on the available evidence, the clinical significance of this variant remains unclear.

Labcorp Genetics (formerly Invitae), Labcorp
Classification: Uncertain significance. Last evaluated: 2021-10-10. Review status: criteria provided, single submitter. Criteria: Invitae Variant Classification Sherloc (09022015). Collection method: clinical testing. Allele origin: germline.
Comment: This sequence change replaces threonine with alanine at codon 200 of the USB1 protein (p.Thr200Ala). The threonine residue is highly conserved and there is a small physicochemical difference between threonine and alanine. This variant is present in population databases (rs758357702, ExAC 0.006%). This variant has not been reported in the literature in individuals affected with USB1-related conditions. Algorithms developed to predict the effect of missense changes on protein structure and function are either unavailable or do not agree on the potential impact of this missense change (SIFT: "Not Available"; PolyPhen-2: "Possibly Damaging"; Align-GVGD: "Not Available"). In summary, the available evidence is currently insufficient to determine the role of this variant in disease. Therefore, it has been classified as a Variant of Uncertain Significance.

NM_024598.4(USB1):c.598A>G (p.Thr200Ala)

Gene: USB1 (U6 snRNA biogenesis phosphodiesterase 1; plus strand). Cytogenetic location: 16q21.
Variant type: single nucleotide variant.
Coding change: c.598A>G on transcript NM_024598.4 (MANE Select); coding-DNA position 598, A replaced by G.
Protein change: p.Thr200Ala; replaces threonine 200 with alanine.
Molecular consequence: missense variant.
Genome position (GRCh38, 1-based): chr16:58,017,428, A>G. VCF-style: chr16-58017428-A-G. GRCh37 (hg19) VCF-style: chr16-58051332-A-G.
Other names: p.Thr200Ala; c.598A>G (NM_024598.3); c.544A>G, p.Thr182Ala (NM_001195302.2); c.445A>G, p.Thr149Ala (NM_001330568.2); short protein forms T149A, T182A, T200A.
Identifiers: ClinVar variation 1478510 (VCV001478510.5), dbSNP rs758357702, ClinGen allele CA8084980.